The following is an entry in ClinVar:

NM_001079843.3(CASZ1):c.4828_4831dup (p.Gly1611fs)

Gene: CASZ1 (castor zinc finger 1; minus strand). Cytogenetic location: 1p36.22.
Variant type: Duplication.
Coding change: c.4828_4831dup on transcript NM_001079843.3 (MANE Select); coding-DNA positions 4828 to 4831, 4 bases duplicated (CCCG; older notation c.4828_4831dupCCCG).
Protein change: p.Gly1611fs; shifts the reading frame from glycine 1611.
Molecular consequence: frameshift variant.
Genome position (GRCh38, 1-based): chr1:10,639,391-10,639,394, CGGG duplicated on the plus strand (CCCG on the coding strand, the reverse complement: CASZ1 is on the minus strand); duplicating any 4 consecutive bases within chr1:10,639,391-10,639,396 gives the same sequence; the c. name uses the placement nearest the transcript's 3' end. VCF-style (leftmost placement, unchanged base first): chr1-10639390-C-CCGGG. GRCh37 (hg19) VCF-style: chr1-10699447-C-CCGGG.
Other names: short protein forms G1611fs.
Identifiers: ClinVar variation 3367732 (VCV003367732.1).

ClinVar aggregate classification (germline): Uncertain significance (1 of 4 stars; one submission).

Submission:

GeneDx
Classification: Uncertain significance. Last evaluated: 2024-01-09. Review status: criteria provided, single submitter. Criteria: GeneDx Variant Classification Process June 2021. Collection method: clinical testing. Allele origin: germline. Affected: yes.
Comment: Not observed at significant frequency in large population cohorts (gnomAD); Frameshift variant predicted to result in abnormal protein length as the last 149 amino acids are replaced with 216 different amino acids; Has not been previously published as pathogenic or benign to our knowledge.